The following is an entry in ClinVar:

ClinVar aggregate classification (germline): Benign/Likely benign. Review status: criteria provided, multiple submitters, no conflicts (2 of 4 stars). 3 submissions from 3 submitters: Benign (2); Likely benign (1). Last evaluated 2024-09-23.

Conditions:
Megalencephaly-polymicrogyria-polydactyly-hydrocephalus syndrome 2 (MPPH2). Also called: MEGALENCEPHALY-POLYMICROGYRIA-POLYDACTYLY-HYDROCEPHALUS SYNDROME 2, SOMATIC. Identifiers: Orphanet 83473, MedGen C4014738, MONDO:0014407, OMIM 615937.

Allele frequency attached by ClinVar (database versions not stated): gnomAD exomes 0.00003 and 0.00008; ExAC 0.00010; 1000 Genomes Project 30x 0.00016; 1000 Genomes Project 0.00020; ESP Exome Variant Server 0.00031; TOPMed 0.00038; gnomAD 0.00040 and 0.00044.
gnomAD v4.1: 106 of 1,608,170 alleles (0.0066%); highest among the groups gnomAD compares: African/African-American, 0.13%; no homozygotes.

Submissions (3):

Labcorp Genetics (formerly Invitae), Labcorp
Classification: Benign for Megalencephaly-polymicrogyria-polydactyly-hydrocephalus syndrome 2. Last evaluated: 2024-09-23. Review status: criteria provided, single submitter. Criteria: Invitae Variant Classification Sherloc (09022015). Collection method: clinical testing. Allele origin: germline.

CeGaT Center for Human Genetics Tuebingen
Classification: Likely benign. Last evaluated: 2023-01-01. Review status: criteria provided, single submitter. Criteria: CeGaT Center For Human Genetics Tuebingen Variant Classification Criteria Version 2. Collection method: clinical testing. Allele origin: germline. Affected: yes. Observed: 1 variant allele.
Comment: AKT3: BP4, BP7, BS1

GeneDx
Classification: Benign. Last evaluated: 2020-04-13. Review status: criteria provided, single submitter. Criteria: GeneDx Variant Classification Process June 2021. Collection method: clinical testing. Allele origin: germline. Affected: yes.

NM_005465.7(AKT3):c.807C>T (p.Tyr269=)

Gene: AKT3 (AKT serine/threonine kinase 3; minus strand). Cytogenetic location: 1q44.
Variant type: single nucleotide variant.
Coding change: c.807C>T on transcript NM_005465.7 (MANE Select); coding-DNA position 807, C replaced by T.
Protein change: p.Tyr269=; no amino-acid change (tyrosine 269 retained).
Molecular consequence: synonymous variant.
Genome position (GRCh38, 1-based): chr1:243,572,938, G>A on the plus strand (C>T on the coding strand, the complement: AKT3 is on the minus strand). VCF-style: chr1-243572938-G-A. GRCh37 (hg19) VCF-style: chr1-243736240-G-A.
Other names: c.807C>T, p.Tyr269= (NM_001206729.2, NM_001370074.1, NM_181690.2).
Identifiers: ClinVar variation 1241032 (VCV001241032.33), dbSNP rs150205993, ClinGen allele CA1484026.